The following is an entry in ClinVar:

ClinVar aggregate classification (germline): Uncertain significance (1 of 4 stars; one submission).

Conditions:
Infantile-onset ascending hereditary spastic paralysis (IAHSP). Also called: Autosomal Recessive Juvenile Amyotrophic Lateral Sclerosis; Infantile-Onset Ascending Hereditary Spastic Paralysis (IAHSP). Identifiers: Orphanet 293168, MedGen C2931441, MONDO:0011797, OMIM 607225. Disease mechanism: loss of function.

Allele frequency attached by ClinVar (database versions not stated): gnomAD exomes 0.00001 and 0.00002; gnomAD 0.00003; TOPMed 0.00003.
gnomAD v4.1: 36 of 1,613,222 alleles (0.0022%); highest among the groups gnomAD compares: Non-Finnish European, 0.003%; no homozygotes.

Submission:

Labcorp Genetics (formerly Invitae), Labcorp
Classification: Uncertain significance for Infantile-onset ascending hereditary spastic paralysis. Last evaluated: 2020-01-31. Review status: criteria provided, single submitter. Criteria: Invitae Variant Classification Sherloc (09022015). Collection method: clinical testing. Allele origin: germline.
Comment: This sequence change falls in intron 7 of the ALS2 gene. It does not directly change the encoded amino acid sequence of the ALS2 protein, but it affects a nucleotide within the consensus splice site of the intron. This variant is not present in population databases (ExAC no frequency). This variant has not been reported in the literature in individuals with ALS2-related conditions. Nucleotide substitutions within the consensus splice site are a relatively common cause of aberrant splicing (PMID: 17576681, 9536098). Algorithms developed to predict the effect of sequence changes on RNA splicing suggest that this variant may disrupt the consensus splice site, but this prediction has not been confirmed by published transcriptional studies. In summary, the available evidence is currently insufficient to determine the role of this variant in disease. Therefore, it has been classified as a Variant of Uncertain Significance.

Literature cited by the submitters: PubMed 17576681; PubMed 9536098.

NM_020919.4(ALS2):c.1737+3A>G

Gene: ALS2 (alsin Rho guanine nucleotide exchange factor ALS2; minus strand). Cytogenetic location: 2q33.1.
Variant type: single nucleotide variant.
Coding change: c.1737+3A>G on transcript NM_020919.4 (MANE Select); 3 bases into the intron after coding-DNA position 1737, A replaced by G.
Molecular consequence: intron variant.
Genome position (GRCh38, 1-based): chr2:201,753,143, T>C on the plus strand (A>G on the coding strand, the complement: ALS2 is on the minus strand). VCF-style: chr2-201753143-T-C. GRCh37 (hg19) VCF-style: chr2-202617866-T-C.
Identifiers: ClinVar variation 1034438 (VCV001034438.4), dbSNP rs3219158, ClinGen allele CA63964946.